The following is an entry in ClinVar:

NM_003235.5(TG):c.455G>A (p.Arg152His)

Gene: TG (thyroglobulin; plus strand). Cytogenetic location: 8q24.22.
Variant type: single nucleotide variant.
Coding change: c.455G>A on transcript NM_003235.5 (MANE Select); coding-DNA position 455, G replaced by A.
Protein change: p.Arg152His; replaces arginine 152 with histidine.
Molecular consequence: missense variant.
Genome position (GRCh38, 1-based): chr8:132,871,528, G>A. VCF-style: chr8-132871528-G-A. GRCh37 (hg19) VCF-style: chr8-133883773-G-A.
Other names: short protein forms R152H.
Identifiers: ClinVar variation 911984 (VCV000911984.19), dbSNP rs114781869, ClinGen allele CA4882904.

ClinVar aggregate classification (germline): Conflicting classifications of pathogenicity. Review status: criteria provided, conflicting classifications (1 of 4 stars). 8 submissions from 8 submitters: Uncertain significance (7); Likely benign (1). Last evaluated 2026-03-01.

Conditions:
Autoimmune thyroid disease, susceptibility to, 3. Identifiers: MedGen C1842444, MONDO:0011982, OMIM 608175.
Iodotyrosyl coupling defect (TDH3). Also called: HYPOTHYROIDISM, CONGENITAL, DUE TO DYSHORMONOGENESIS, 3; THYROID HORMONOGENESIS, GENETIC DEFECT IN, 3. Identifiers: Orphanet 95716, MedGen C0342194, MONDO:0010135, OMIM 274700.
TG-related disorder. Also called: TG-related disorders; TG-related condition.

Allele frequency attached by ClinVar (database versions not stated): 1000 Genomes Project 30x 0.00016; 1000 Genomes Project 0.00020; ESP Exome Variant Server 0.00054; gnomAD 0.00056 and 0.00059; TOPMed 0.00063; ExAC 0.00068; gnomAD exomes 0.00068 and 0.00079.
gnomAD v4.1: 1,070 of 1,613,952 alleles (0.066%); highest among the groups gnomAD compares: Non-Finnish European, 0.068%; no homozygotes.

Submissions (8):

CeGaT Center for Human Genetics Tuebingen
Classification: Uncertain significance. Last evaluated: 2026-03-01. Review status: criteria provided, single submitter. Criteria: CeGaT Center For Human Genetics Tuebingen Variant Classification Criteria Version 2. Collection method: clinical testing. Allele origin: germline. Affected: yes. Observed: 1 variant allele.

Labcorp Genetics (formerly Invitae), Labcorp
Classification: Likely benign. Last evaluated: 2025-11-28. Review status: criteria provided, single submitter. Criteria: Invitae Variant Classification Sherloc (09022015). Collection method: clinical testing. Allele origin: germline.

PreventionGenetics, part of Exact Sciences
Classification: Uncertain significance for TG-related condition. Last evaluated: 2025-04-23. Review status: criteria provided, single submitter. Criteria: ACMG Guidelines, 2015. Collection method: clinical testing. Allele origin: germline.
Comment: The TG c.455G>A variant is predicted to result in the amino acid substitution p.Arg152His. This variant was reported as a variant of uncertain significance in an individual with congenital hypothyroidism (Makretskaya et al. 2018. PubMed ID: 30240412). This variant is reported in 0.49% of alleles in individuals of Ashkenazi Jewish descent in gnomAD. Although we suspect that this variant may be benign, at this time, the clinical significance of this variant is uncertain due to the absence of conclusive functional and genetic evidence.

Women's Health and Genetics/Laboratory Corporation of America, LabCorp
Classification: Uncertain significance. Last evaluated: 2024-03-11. Review status: criteria provided, single submitter. Criteria: LabCorp Variant Classification Summary - May 2015. Collection method: clinical testing. Allele origin: germline.
Comment: Variant summary: TG c.455G>A (p.Arg152His) results in a non-conservative amino acid change located in the Thyroglobulin type-1 domain (IPR000716) of the encoded protein sequence. Five of five in-silico tools predict a damaging effect of the variant on protein function. The variant allele was found at a frequency of 0.00079 in 250730 control chromosomes in the gnomAD database, including 1 homozygote. c.455G>A has been reported in the literature as a VUS in heterozygous individuals affected with congenital hypothyroidism (e.g. Makretskaya_TG_PlosOne_2018). This report does not provide unequivocal conclusions about association of the variant with TG-Related Disorders. To our knowledge, no experimental evidence demonstrating an impact on protein function has been reported. The following publications have been ascertained in the context of this evaluation (PMID: 30350900, 30240412). ClinVar contains an entry for this variant (Variation ID: 911984). Based on the evidence outlined above, the variant was classified as uncertain significance.

Fulgent Genetics
Classification: Uncertain significance for Iodotyrosyl coupling defect; Autoimmune thyroid disease, susceptibility to, 3. Last evaluated: 2022-01-17. Review status: criteria provided, single submitter. Criteria: ACMG Guidelines, 2015. Collection method: clinical testing. Allele origin: unknown.

Institute for Clinical Genetics, University Hospital TU Dresden, University Hospital TU Dresden
Classification: Uncertain significance. Last evaluated: 2021-11-03. Review status: criteria provided, single submitter. Criteria: ACMG Guidelines, 2015. Collection method: clinical testing. Allele origin: germline.

GeneDx
Classification: Uncertain significance. Last evaluated: 2019-07-22. Review status: criteria provided, single submitter. Criteria: GeneDx Variant Classification Process June 2021. Collection method: clinical testing. Allele origin: germline. Affected: yes.
Comment: Reported in the heterozygous state in two individuals with congenital hypothyroidism; one of these individuals harbored a nonsense variant in the TPO gene (Makretskaya et al., 2018); This variant is associated with the following publications: (PMID: 30240412)

Illumina Laboratory Services, Illumina
Classification: Uncertain significance for Iodotyrosyl coupling defect. Last evaluated: 2017-04-27. Review status: criteria provided, single submitter. Criteria: ICSL Variant Classification Criteria 13 December 2019. Collection method: clinical testing. Allele origin: germline.

Literature cited by the submitters: PubMed 30240412 (cited by Women's Health and Genetics/Laboratory Corporation of America, LabCorp); PubMed 30350900 (cited by Women's Health and Genetics/Laboratory Corporation of America, LabCorp).